The following is an entry in ClinVar:

NM_000059.4(BRCA2):c.7819A>C (p.Thr2607Pro)

Gene: BRCA2 (BRCA2 DNA repair associated; plus strand). Cytogenetic location: 13q13.1.
Variant type: single nucleotide variant.
Coding change: c.7819A>C on transcript NM_000059.4 (MANE Select); coding-DNA position 7819, A replaced by C.
Protein change: p.Thr2607Pro; replaces threonine 2607 with proline.
Molecular consequence: missense variant.
Genome position (GRCh38, 1-based): chr13:32,362,536, A>C. VCF-style: chr13-32362536-A-C. GRCh37 (hg19) VCF-style: chr13-32936673-A-C.
Other names: NM_000059.4(BRCA2):c.7819A>C; p.Thr2607Pro; short protein forms T2607P.
Identifiers: ClinVar variation 52422 (VCV000052422.16), dbSNP rs80359008, ClinGen allele CA025298.

ClinVar aggregate classification (germline): Likely pathogenic. Review status: reviewed by expert panel (3 of 4 stars). 4 submissions from 4 submitters: Likely pathogenic (1). 3 of the submissions do not count toward it. Last evaluated 2026-07-15.

Conditions:
BRCA2-related cancer predisposition. Identifiers: MedGen CN377758, MONDO:0700269.
Hereditary cancer-predisposing syndrome. Also called: Hereditary neoplastic syndrome; Neoplastic Syndromes, Hereditary; Hereditary Cancer Syndrome; Tumor predisposition. Identifiers: Orphanet 140162, MedGen C0027672, MeSH D009386, MONDO:0015356.
Hereditary breast ovarian cancer syndrome. Also called: Hereditary breast and ovarian cancer; Breast and ovarian cancer; Hereditary breast and ovarian cancer syndrome; BRCA1- and BRCA2-Associated Hereditary Breast and Ovarian Cancer; Hereditary breast and ovarian cancer syndrome (HBOC); Hereditary breast and/or ovarian cancer syndrome. Identifiers: Orphanet 145, MedGen C0677776, MeSH D061325, MONDO:0003582. Disease mechanism: loss of function.
Breast-ovarian cancer, familial, susceptibility to, 2 (BROVCA2). Also called: BRCA2 Hereditary Breast and Ovarian Cancer. Identifiers: Orphanet 145, MedGen C2675520, MONDO:0012933, OMIM 612555. Disease mechanism: loss of function.

Submissions (4):

ClinGen ENIGMA BRCA1 and BRCA2 Variant Curation Expert Panel, ClinGen
Classification: Likely pathogenic for BRCA2-related cancer predisposition. Last evaluated: 2026-07-15. Review status: reviewed by expert panel. Criteria: CSpec BRCA1/2ACMG Rules Specifications V1.2. Collection method: curation. Allele origin: germline. Inheritance: Autosomal dominant inheritance.
Comment: The c.7819A>C variant in BRCA2 is a missense variant predicted to cause substitution of Threonine by Proline at amino acid 2607 (p.(Thr2607Pro)). This variant is absent from gnomAD v4.1 (read depth ≥25x in >90% samples, PM2_Supporting met). Reported by three calibrated studies to exhibit functional effect similar to pathogenic control variants (PMIDs: 38417439, 39779857, 39779848) and reported by one calibrated study to show an impact of varying degree in different assays (PMID: 32444794) (PS3 met). This BRCA2 missense variant is within a key functional domain and the computational predictor BayesDel (noAF) gives a score of 0.23, indicating impact on BRCA2 function via protein change is unclear (score range 0.18-0.30). A SpliceAI score of 0.01 predicts no impact on splicing (score threshold <0.10) (no bioinformatic code is applied). Multifactorial likelihood ratio analysis using clinically calibrated data produced a combined LR for this variant of 11.9 (based on Co-occurrence LR=1.03; Family History LR=11.62), within the thresholds for moderate evidence towards pathogenicity (LR >4.3 & ≤18.7) (PP4_Moderate met; Internal lab contributors). In summary, this variant meets the criteria to be classified as a Likely pathogenic variant for BRCA2-related cancer predisposition based on the ACMG/AMP criteria applied as specified by the ENIGMA BRCA1/2 VCEP (PM2_Supporting, PP4_Moderate, PS3).

Ambry Genetics
Classification: Likely pathogenic for Hereditary cancer-predisposing syndrome. Last evaluated: 2024-03-07. Review status: criteria provided, single submitter. Criteria: Ambry Variant Classification Scheme 2023. Collection method: clinical testing. Allele origin: germline. Not counted in ClinVar's aggregate classification.
Comment: The p.T2607P variant (also known as c.7819A>C), located in coding exon 16 of the BRCA2 gene, results from an A to C substitution at nucleotide position 7819. The threonine at codon 2607 is replaced by proline, an amino acid with highly similar properties. Using a computational method that produces a probabilistic likelihood ratio predictive of whether a missense variant impairs protein function, this alteration is predicted to be likely deleterious (Karchin R et al. Cancer Inform. 2008;6:203-16). This alteration was classified as likely pathogenic based on a multifactorial analysis model of variant classification (Parsons MT et al. Hum Mutat, 2019 09;40:1557-1578). Additionally, this alteration was non-functional in a homology directed DNA repair assay (Ambry internal data). This amino acid position is highly conserved in available vertebrate species. In addition, this alteration is predicted to be deleterious by in silico analysis. Based on the majority of available evidence to date, this variant is likely to be pathogenic.

Labcorp Genetics (formerly Invitae), Labcorp
Classification: Uncertain significance for Hereditary breast ovarian cancer syndrome. Last evaluated: 2022-08-12. Review status: criteria provided, single submitter. Criteria: Invitae Variant Classification Sherloc (09022015). Collection method: clinical testing. Allele origin: germline. Not counted in ClinVar's aggregate classification.
Comment: This sequence change replaces threonine, which is neutral and polar, with proline, which is neutral and non-polar, at codon 2607 of the BRCA2 protein (p.Thr2607Pro). This variant is not present in population databases (gnomAD no frequency). This variant has not been reported in the literature in individuals affected with BRCA2-related conditions. ClinVar contains an entry for this variant (Variation ID: 52422). Based on a multifactorial likelihood algorithm using genetic, in silico, and/or statistical data, this variant has been determined to have a high probability of being pathogenic (PMID: 31131967, 31294896). Experimental studies have shown that this missense change affects BRCA2 function (PMID: 32444794). In summary, the available evidence is currently insufficient to determine the role of this variant in disease. Therefore, it has been classified as a Variant of Uncertain Significance.

Breast Cancer Information Core (BIC) (BRCA2)
Classification: Uncertain significance for Breast-ovarian cancer, familial 2. Last evaluated: 2000-08-16. Review status: no assertion criteria provided. Collection method: clinical testing. Allele origin: germline. Affected: yes. Observed: 1 variant allele. Not counted in ClinVar's aggregate classification.

Literature cited by the submitters: PubMed 19043619 (cited by Ambry Genetics); PubMed 31131967 (cited by Ambry Genetics and Labcorp Genetics (formerly Invitae), Labcorp); PubMed 32444794 (cited by Ambry Genetics and Labcorp Genetics (formerly Invitae), Labcorp); PubMed 36404616 (cited by Ambry Genetics); PubMed 31294896 (cited by Labcorp Genetics (formerly Invitae), Labcorp).